The following is an entry in ClinVar:

NM_000812.4(GABRB1):c.305T>C (p.Ile102Thr)

Gene: GABRB1 (gamma-aminobutyric acid type A receptor subunit beta1; plus strand). Cytogenetic location: 4p12.
Variant type: single nucleotide variant.
Coding change: c.305T>C on transcript NM_000812.4 (MANE Select); coding-DNA position 305, T replaced by C.
Protein change: p.Ile102Thr; replaces isoleucine 102 with threonine.
Molecular consequence: missense variant.
Genome position (GRCh38, 1-based): chr4:47,161,313, T>C. VCF-style: chr4-47161313-T-C. GRCh37 (hg19) VCF-style: chr4-47163330-T-C.
Other names: short protein forms I102T.
Identifiers: ClinVar variation 2007331 (VCV002007331.4), dbSNP rs2475342296, ClinGen allele CA356805842.
Genomic context (GRCh38, chr4:47,161,313, plus strand): 5'-ATACACTCACCATGTATTTCCAGCAGTCTTGGAAAGACAAAAGGCTTTCTTATTCTGGAA[T>C]CCCACTGAACCTCACCCTAGACAATAGGGTAGCTGACCAACTCTGGGTACCAGACACCTA-3'
Protein context (NP_000803.2, residues 92-112): WKDKRLSYSG[Ile102Thr]PLNLTLDNRV

ClinVar aggregate classification (germline): Uncertain significance (1 of 4 stars; one submission).

Submission:

Labcorp Genetics (formerly Invitae), Labcorp
Classification: Uncertain significance. Last evaluated: 2025-07-28. Review status: criteria provided, single submitter. Criteria: Invitae Variant Classification Sherloc (09022015). Collection method: clinical testing. Allele origin: germline.
Comment: This sequence change replaces isoleucine, which is neutral and non-polar, with threonine, which is neutral and polar, at codon 102 of the GABRB1 protein (p.Ile102Thr). This variant is not present in population databases (gnomAD no frequency). This variant has not been reported in the literature in individuals affected with GABRB1-related conditions. ClinVar contains an entry for this variant (Variation ID: 2007331). Invitae Evidence Modeling of protein sequence and biophysical properties (such as structural, functional, and spatial information, amino acid conservation, physicochemical variation, residue mobility, and thermodynamic stability) indicates that this missense variant is not expected to disrupt GABRB1 protein function with a negative predictive value of 80%. In summary, the available evidence is currently insufficient to determine the role of this variant in disease. Therefore, it has been classified as a Variant of Uncertain Significance.